The following is an entry in ClinVar:

NM_001388492.1(HTT):c.7010A>G (p.Lys2337Arg)

Gene: HTT (huntingtin; plus strand). Cytogenetic location: 4p16.3.
Variant type: single nucleotide variant.
Coding change: c.7010A>G on transcript NM_001388492.1 (MANE Select); coding-DNA position 7010, A replaced by G.
Protein change: p.Lys2337Arg; replaces lysine 2337 with arginine.
Molecular consequence: missense variant.
Genome position (GRCh38, 1-based): chr4:3,215,167, A>G. VCF-style: chr4-3215167-A-G. GRCh37 (hg19) VCF-style: chr4-3216894-A-G.
Other names: c.7016A>G, p.Lys2339Arg (NM_002111.8); short protein forms K2339R, K2337R.
Identifiers: ClinVar variation 1355970 (VCV001355970.30), dbSNP rs186882443, ClinGen allele CA2825214.

ClinVar aggregate classification (germline): Conflicting classifications of pathogenicity. Review status: criteria provided, conflicting classifications (1 of 4 stars). 3 submissions from 3 submitters: Uncertain significance (1); Likely benign (2). Last evaluated 2024-11-13.

Allele frequency attached by ClinVar (database versions not stated): 1000 Genomes Project 0.00020; 1000 Genomes Project 30x 0.00031; gnomAD 0.00036 and 0.00037; TOPMed 0.00047; gnomAD exomes 0.00055 and 0.00066; ESP Exome Variant Server 0.00066; ExAC 0.00075.
gnomAD v4.1: 1,028 of 1,614,152 alleles (0.064%); highest among the groups gnomAD compares: Non-Finnish European, 0.078%; 1 homozygote.

Submissions (3):

Blueprint Genetics
Classification: Likely benign. Last evaluated: 2024-11-13. Review status: criteria provided, single submitter. Criteria: ACMG Guidelines, 2015. Collection method: clinical testing. Allele origin: germline.

Labcorp Genetics (formerly Invitae), Labcorp
Classification: Uncertain significance. Last evaluated: 2023-08-24. Review status: criteria provided, single submitter. Criteria: Invitae Variant Classification Sherloc (09022015). Collection method: clinical testing. Allele origin: germline.
Comment: In summary, the available evidence is currently insufficient to determine the role of this variant in disease. Therefore, it has been classified as a Variant of Uncertain Significance. Experimental studies and prediction algorithms are not available or were not evaluated, and the functional significance of this variant is currently unknown. ClinVar contains an entry for this variant (Variation ID: 1355970). This variant has not been reported in the literature in individuals affected with HTT-related conditions. This variant is present in population databases (rs186882443, gnomAD 0.09%), and has an allele count higher than expected for a pathogenic variant. This sequence change replaces lysine, which is basic and polar, with arginine, which is basic and polar, at codon 2339 of the HTT protein (p.Lys2339Arg).

CeGaT Center for Human Genetics Tuebingen
Classification: Likely benign. Last evaluated: 2023-01-01. Review status: criteria provided, single submitter. Criteria: CeGaT Center For Human Genetics Tuebingen Variant Classification Criteria Version 2. Collection method: clinical testing. Allele origin: germline. Affected: yes. Observed: 2 variant alleles.
Comment: HTT: BP4, BS2